The following is an entry in ClinVar:

NM_002485.5(NBN):c.1141C>A (p.Pro381Thr)

Gene: NBN (nibrin; minus strand). Cytogenetic location: 8q21.3.
Variant type: single nucleotide variant.
Coding change: c.1141C>A on transcript NM_002485.5 (MANE Select); coding-DNA position 1141, C replaced by A.
Protein change: p.Pro381Thr; replaces proline 381 with threonine.
Molecular consequence: missense variant.
Genome position (GRCh38, 1-based): chr8:89,955,539, G>T on the plus strand (C>A on the coding strand, the complement: NBN is on the minus strand). VCF-style: chr8-89955539-G-T. GRCh37 (hg19) VCF-style: chr8-90967767-G-T.
Other names: c.895C>A, p.Pro299Thr (NM_001024688.3); short protein forms P299T, P381T.
Identifiers: ClinVar variation 1434853 (VCV001434853.8), dbSNP rs2129722201, ClinGen allele CA371656506.

ClinVar aggregate classification (germline): Uncertain significance (1 of 4 stars; one submission).

Conditions:
Microcephaly, normal intelligence and immunodeficiency (NBS). Also called: Ataxia telangiectasia variant V1; IMMUNODEFICIENCY, MICROCEPHALY, AND CHROMOSOMAL INSTABILITY; BERLIN BREAKAGE SYNDROME; Immunodeficiency, microcephaly with normal intelligence; SEEMANOVA SYNDROME II; Nijmegen breakage syndrome. Identifiers: Orphanet 647, MedGen C0398791, MONDO:0009623, OMIM 251260.

Allele frequency attached by ClinVar (database versions not stated): gnomAD exomes below 0.00001.
gnomAD v4.1: 1 of 1,613,018 alleles (0.000062%); highest among the groups gnomAD compares: Non-Finnish European, 0.000085%; no homozygotes.

Submission:

Labcorp Genetics (formerly Invitae), Labcorp
Classification: Uncertain significance for Microcephaly, normal intelligence and immunodeficiency. Last evaluated: 2021-08-17. Review status: criteria provided, single submitter. Criteria: Invitae Variant Classification Sherloc (09022015). Collection method: clinical testing. Allele origin: germline.
Comment: This variant has not been reported in the literature in individuals with NBN-related conditions. In summary, the available evidence is currently insufficient to determine the role of this variant in disease. Therefore, it has been classified as a Variant of Uncertain Significance. Algorithms developed to predict the effect of missense changes on protein structure and function (SIFT, PolyPhen-2, Align-GVGD) all suggest that this variant is likely to be tolerated, but these predictions have not been confirmed by published functional studies and their clinical significance is uncertain. This variant is not present in population databases (ExAC no frequency). This sequence change replaces proline with threonine at codon 381 of the NBN protein (p.Pro381Thr). The proline residue is moderately conserved and there is a small physicochemical difference between proline and threonine.